The following is an entry in ClinVar:

ClinVar aggregate classification (germline): Uncertain significance (1 of 4 stars; one submission).

Submission:

GeneDx
Classification: Uncertain significance. Last evaluated: 2022-07-08. Review status: criteria provided, single submitter. Criteria: GeneDx Variant Classification Process June 2021. Collection method: clinical testing. Allele origin: germline. Affected: yes.
Comment: Not observed at significant frequency in large population cohorts (gnomAD); In silico analysis supports that this missense variant does not alter protein structure/function; Has not been previously published as pathogenic or benign to our knowledge

NM_001371928.1(AHDC1):c.2650G>C (p.Gly884Arg)

Gene: AHDC1 (AT-hook DNA binding motif containing 1; minus strand). Cytogenetic location: 1p36.11.
Variant type: single nucleotide variant.
Coding change: c.2650G>C on transcript NM_001371928.1 (MANE Select); coding-DNA position 2650, G replaced by C.
Protein change: p.Gly884Arg; replaces glycine 884 with arginine.
Molecular consequence: missense variant.
Genome position (GRCh38, 1-based): chr1:27,549,466, C>G on the plus strand (G>C on the coding strand, the complement: AHDC1 is on the minus strand). VCF-style: chr1-27549466-C-G. GRCh37 (hg19) VCF-style: chr1-27875977-C-G.
Other names: c.2650G>C, p.Gly884Arg (NM_001029882.3); short protein forms G884R.
Identifiers: ClinVar variation 1810430 (VCV001810430.1), dbSNP rs2521924321, ClinGen allele CA339230090.